The following is an entry in ClinVar:

ClinVar aggregate classification (germline): Uncertain significance (1 of 4 stars; one submission).

Conditions:
Familial juvenile hyperuricemic nephropathy type 1 (ADTKD1). Also called: Autosomal Dominant Tubulointerstitial Kidney Disease – UMOD; UMOD-Associated Kidney Disease; Uromodulin-associated kidney disease; Glomerulocystic kidney disease with hyperuricemia and isosthenuria; Medullary cystic kidney disease 2. Identifiers: Orphanet 209886, Orphanet 34149, Orphanet 88950, MedGen C4551496, MONDO:0008073, OMIM 162000.

Submission:

Neuberg Centre For Genomic Medicine, NCGM
Classification: Uncertain significance for Familial juvenile hyperuricemic nephropathy type 1. Review status: criteria provided, single submitter. Criteria: ACMG Guidelines, 2015. Collection method: clinical testing. Allele origin: germline. Inheritance: Autosomal dominant inheritance. Affected: yes.
Comment: The missense variant p.I242N in UMOD (NM_003361.4) has not been reported previously as a pathogenic variant nor as a benign variant, to our knowledge. The p.I242N variant is novel (not in any individuals) in gnomAD Exomes and is novel (not in any individuals) in 1000 Genomes. The p.I242N missense variant is predicted to be damaging by both SIFT and PolyPhen2. The nucleotide c.725 in UMOD is predicted conserved by GERP++ and PhyloP across 100 vertebrates. For these reasons, this variant has been classified as Uncertain Significance.

NM_003361.4(UMOD):c.725T>A (p.Ile242Asn)

Gene: UMOD (uromodulin; minus strand). Cytogenetic location: 16p12.3.
Variant type: single nucleotide variant.
Coding change: c.725T>A on transcript NM_003361.4 (MANE Select); coding-DNA position 725, T replaced by A.
Protein change: p.Ile242Asn; replaces isoleucine 242 with asparagine.
Molecular consequence: missense variant. On other transcripts: non-coding transcript variant (1).
Genome position (GRCh38, 1-based): chr16:20,348,576, A>T on the plus strand (T>A on the coding strand, the complement: UMOD is on the minus strand). VCF-style: chr16-20348576-A-T. GRCh37 (hg19) VCF-style: chr16-20359898-A-T.
Other names: c.725T>A, p.Ile242Asn (NM_001008389.3, NM_001378232.1, NM_001378233.1 and 3 more transcripts); c.824T>A, p.Ile275Asn (NM_001278614.2); short protein forms I242N, I275N.
Identifiers: ClinVar variation 2627442 (VCV002627442.1), dbSNP rs2507386629, ClinGen allele CA394984905.
Genomic context (GRCh38, chr16:20,348,576, plus strand): 5'-ACGGACGCATCCCACAGGCAGCAGTGGCCGCTCCAGTGCGCGCAGGCCTTGCGGCTCACG[A>T]TGCCCTCGTCGCTGGACGGATGCGTGCCATTGAGCCACATGGGGGCGGCCGTGTTGCAGC-3'
Protein context (NP_003352.2, residues 232-252): NGTHPSSDEG[Ile242Asn]VSRKACAHWS